The following is an entry in ClinVar:

NM_003325.4(HIRA):c.1A>G (p.Met1Val)

Gene: HIRA (histone cell cycle regulator; minus strand). Cytogenetic location: 22q11.21.
Variant type: single nucleotide variant.
Coding change: c.1A>G on transcript NM_003325.4 (MANE Select); coding-DNA position 1, A replaced by G.
Protein change: p.Met1Val; changes the start codon (methionine 1).
Molecular consequence: missense variant, initiator codon variant.
Genome position (GRCh38, 1-based): chr22:19,431,476, T>C on the plus strand (A>G on the coding strand, the complement: HIRA is on the minus strand). VCF-style: chr22-19431476-T-C. GRCh37 (hg19) VCF-style: chr22-19418999-T-C.
Other names: short protein forms M1V.
Identifiers: ClinVar variation 2681149 (VCV002681149.2), dbSNP rs2517473796, ClinGen allele CA410665575.

ClinVar aggregate classification (germline): Uncertain significance (1 of 4 stars; one submission).

Conditions:
HIRA-related disorder.

Submission:

Molecular Genetics Department, Kulakov National Medical Research Center for Obstetrics, Gynecology and Perinatology
Classification: Uncertain significance for HIRA-related disorder. Last evaluated: 2023-12-24. Review status: criteria provided, single submitter. Criteria: ACMG Guidelines, 2015. Collection method: clinical testing. Allele origin: de novo. Inheritance: Autosomal dominant inheritance. Affected: yes. Observed: 1 heterozygote.
Comment: A previously undescribed heterozygous nucleotide sequence variant in the HIRA gene (22-19431476-T-C) has been identified, resulting in a nucleotide substitution in the start codon and presumably impaired initiation of protein synthesis (NM_003325.4:c.1A>G, p.Met1?). To date, variants in the HIRA gene (encoding a histone cell cycle regulator protein) have not been associated with any monogenic disease (OMIM: 600237). The HIRA gene is located on the long arm of chromosome 22 (22q11.21) and is part of a deletion region in DiGeorge syndrome (OMIM: 188400, DiGeorge syndrome). HIRA appears to be ubiquitously expressed and acts as a histone chaperone [Chen et al., 2020, PMID: 32075733]. Functional studies in mice have shown that HIRA plays a role in the development and function of neurons, haematopoietic cells, germ cells, muscle cells and endothelial cells [Chen et al., 2020, PMID: 32075733]. Although the HIRA gene is not associated with any monogenic disease, 4 de novo heterozygous variants resulting in loss of protein function have been described in patients with impaired neurodevelopment and congenital heart disease [Jeanne et al., 2021, PMID: 33417013]. At the same time, other heterozygous variants leading to protein dysfunction have been described in 4 asymptomatic carriers (de novo status not confirmed) [Curtis, 2021, PMID: 34074949]. According to the gnomAD control database, the HIRA gene is depleted in variants leading to impaired synthesis of the full-length protein (pLI=1, o/e=0.05), which may support the likely pathogenicity of this type of variant. The identified variant was not reported in the gnomAD control sample. Sanger sequencing showed that the variant was de novo. Based on the totality of the data, it should be considered as a variant of uncertain clinical significance.

Literature cited by the submitters: PubMed 34074949; PubMed 32075733; PubMed 33417013.